The following is an entry in ClinVar:

NM_000038.6(APC):c.997A>T (p.Thr333Ser)

Gene: APC (APC regulator of WNT signaling pathway; plus strand). Cytogenetic location: 5q22.2.
Variant type: single nucleotide variant.
Coding change: c.997A>T on transcript NM_000038.6 (MANE Select); coding-DNA position 997, A replaced by T.
Protein change: p.Thr333Ser; replaces threonine 333 with serine.
Molecular consequence: missense variant. On other transcripts: non-coding transcript variant (2), intron variant (15).
Genome position (GRCh38, 1-based): chr5:112,819,029, A>T. VCF-style: chr5-112819029-A-T. GRCh37 (hg19) VCF-style: chr5-112154726-A-T.
Other names: c.997A>T, p.Thr333Ser (NM_001127510.3, NM_001354895.2, NM_001354896.2 and 4 more transcripts); c.943A>T, p.Thr315Ser (NM_001127511.3); c.1027A>T, p.Thr343Ser (NM_001354897.2, NM_001407446.1); c.922A>T, p.Thr308Ser (NM_001354898.2, NM_001407451.1); c.913A>T, p.Thr305Ser (NM_001354899.2, NM_001407452.1); c.820A>T, p.Thr274Ser (NM_001354900.2, NM_001354901.2, NM_001407453.1); c.148A>T, p.Thr50Ser (NM_001354906.2, NM_001407470.1); c.85-240A>T (NM_001407472.1, NM_001407471.1); and 5 more; short protein forms T274S, T305S, T308S, T315S, T333S, T343S, T50S.
Identifiers: ClinVar variation 3386215 (VCV003386215.1).

ClinVar aggregate classification (germline): Uncertain significance (1 of 4 stars; one submission).

Conditions:
Classic or attenuated familial adenomatous polyposis. Identifiers: MedGen CN372698, MONDO:0021057.

Submission:

All of Us Research Program, National Institutes of Health
Classification: Uncertain significance for Classic or attenuated familial adenomatous polyposis. Last evaluated: 2024-03-05. Review status: criteria provided, single submitter. Criteria: ACMG Guidelines, 2015. Collection method: clinical testing. Allele origin: germline. Inheritance: Autosomal dominant inheritance. Observed: 1 variant allele, 1 heterozygote.
Comment: This study involves interpretation of variants in research participants for the purpose of population health screening. Participant phenotype was not available at the time of variant classification. Additional details can be found in publication PMID: 35346344, PMCID: PMC8962531